The following is an entry in ClinVar:

NM_006618.5(KDM5B):c.218C>T (p.Pro73Leu)

Gene: KDM5B (lysine demethylase 5B; minus strand). Cytogenetic location: 1q32.1.
Variant type: single nucleotide variant.
Coding change: c.218C>T on transcript NM_006618.5 (MANE Select); coding-DNA position 218, C replaced by T.
Protein change: p.Pro73Leu; replaces proline 73 with leucine.
Molecular consequence: missense variant.
Genome position (GRCh38, 1-based): chr1:202,777,081, G>A on the plus strand (C>T on the coding strand, the complement: KDM5B is on the minus strand). VCF-style: chr1-202777081-G-A. GRCh37 (hg19) VCF-style: chr1-202746209-G-A.
Other names: c.218C>T, p.Pro73Leu (NM_001314042.2, NM_001347591.2); c.203C>T, p.Pro68Leu (NM_001399817.1); short protein forms P68L, P73L.
Identifiers: ClinVar variation 5020643 (VCV005020643.1).

ClinVar aggregate classification (germline): Uncertain significance (1 of 4 stars; one submission).

gnomAD v4.1: 2 of 1,612,800 alleles (0.00012%); no homozygotes.

Submission:

Dasa
Classification: Uncertain significance. Last evaluated: 2026-05-02. Review status: criteria provided, single submitter. Criteria: DASA Assertion Criteria. Collection method: clinical testing. Allele origin: germline.
Comment: NM_006618.5(KDM5B):c.218C>T (p.Pro73Leu) is a missense variant that results in the substitution of proline with leucine. This variant is rare in population databases. Computational prediction algorithms are consistent with a deleterious effect. The currently available literature and clinical evidence are not sufficient to establish a definitive association between this variant and the reported condition. Therefore, this variant is classified as a variant of uncertain significance.